The following is an entry in ClinVar:

ClinVar aggregate classification (germline): Uncertain significance. Review status: criteria provided, multiple submitters, no conflicts (2 of 4 stars). 2 submissions from 2 submitters: Uncertain significance (2). Last evaluated 2024-12-11.

Conditions:
Epidermodysplasia verruciformis. Identifiers: Orphanet 302, MedGen C0014522, MONDO:0009176.
Inborn genetic diseases. Identifiers: MedGen C0950123, MeSH D030342.

gnomAD v4.1: 4 of 1,610,070 alleles (0.00025%); highest among the groups gnomAD compares: Non-Finnish European, 0.00025%; no homozygotes.

Submissions (2):

Ambry Genetics
Classification: Uncertain significance for Inborn genetic diseases. Last evaluated: 2024-12-11. Review status: criteria provided, single submitter. Criteria: Ambry Variant Classification Scheme 2023. Collection method: clinical testing. Allele origin: germline.

Labcorp Genetics (formerly Invitae), Labcorp
Classification: Uncertain significance for Epidermodysplasia verruciformis. Last evaluated: 2021-05-18. Review status: criteria provided, single submitter. Criteria: Invitae Variant Classification Sherloc (09022015). Collection method: clinical testing. Allele origin: germline.
Comment: This sequence change replaces phenylalanine with leucine at codon 249 of the TMC6 protein (p.Phe249Leu). The phenylalanine residue is highly conserved and there is a small physicochemical difference between phenylalanine and leucine. This variant is not present in population databases (ExAC no frequency). This variant has not been reported in the literature in individuals with TMC6-related conditions. Algorithms developed to predict the effect of missense changes on protein structure and function are either unavailable or do not agree on the potential impact of this missense change (SIFT: "Not Available"; PolyPhen-2: "Possibly Damaging"; Align-GVGD: "Not Available"). In summary, the available evidence is currently insufficient to determine the role of this variant in disease. Therefore, it has been classified as a Variant of Uncertain Significance.

NM_001127198.5(TMC6):c.747C>A (p.Phe249Leu)

Gene: TMC6 (transmembrane channel like 6; minus strand). Cytogenetic location: 17q25.3.
Variant type: single nucleotide variant.
Coding change: c.747C>A on transcript NM_001127198.5 (MANE Select); coding-DNA position 747, C replaced by A.
Protein change: p.Phe249Leu; replaces phenylalanine 249 with leucine.
Molecular consequence: missense variant. On other transcripts: non-coding transcript variant (4).
Genome position (GRCh38, 1-based): chr17:78,124,668, G>T on the plus strand (C>A on the coding strand, the complement: TMC6 is on the minus strand). VCF-style: chr17-78124668-G-T. GRCh37 (hg19) VCF-style: chr17-76120749-G-T.
Other names: c.747C>A (NM_007267.6); c.747C>A, p.Phe249Leu (NM_001321185.1, NM_001374593.1, NM_001374594.1 and 4 more transcripts); short protein forms F249L.
Identifiers: ClinVar variation 1447776 (VCV001447776.7), dbSNP rs1042301977, ClinGen allele CA401232758.